The following is an entry in ClinVar:

NM_001378454.1(ALMS1):c.5732del (p.Pro1911fs)

Gene: ALMS1 (ALMS1 centrosome and basal body associated protein; plus strand). Cytogenetic location: 2p13.1.
Variant type: Deletion.
Coding change: c.5732del on transcript NM_001378454.1 (MANE Select); coding-DNA position 5732, one base deleted (C; older notation c.5732delC).
Protein change: p.Pro1911fs; shifts the reading frame from proline 1911.
Molecular consequence: frameshift variant.
Genome position (GRCh38, 1-based): chr2:73,452,259, C deleted; the last of 2 consecutive C bases (chr2:73,452,258-73,452,259); deleting either gives the same sequence. VCF-style (leftmost placement, unchanged base first): chr2-73452257-GC-G. GRCh37 (hg19) VCF-style: chr2-73679384-GC-G.
Other names: c.5735delC (NM_015120.4); c.5735del, p.Pro1912fs (NM_015120.4); short protein forms P1912fs, P1911fs.
Identifiers: ClinVar variation 646515 (VCV000646515.10), dbSNP rs763048583, ClinGen allele CA1713930.

ClinVar aggregate classification (germline): Pathogenic (1 of 4 stars; one submission).

Conditions:
Alstrom syndrome (ALMS). Identifiers: Orphanet 64, MedGen C0268425, MONDO:0008763, OMIM 203800.

Submission:

Labcorp Genetics (formerly Invitae), Labcorp
Classification: Pathogenic for Alstrom syndrome. Last evaluated: 2024-10-15. Review status: criteria provided, single submitter. Criteria: Invitae Variant Classification Sherloc (09022015). Collection method: clinical testing. Allele origin: germline.
Comment: This sequence change creates a premature translational stop signal (p.Pro1912Glnfs*8) in the ALMS1 gene. It is expected to result in an absent or disrupted protein product. Loss-of-function variants in ALMS1 are known to be pathogenic (PMID: 17594715). This variant is present in population databases (rs763048583, gnomAD 0.0009%). This premature translational stop signal has been observed in individual(s) with Alström syndrome (internal data). In at least one individual the data is consistent with being in trans (on the opposite chromosome) from a pathogenic variant. ClinVar contains an entry for this variant (Variation ID: 646515). For these reasons, this variant has been classified as Pathogenic.

Literature cited by the submitters: PubMed 17594715.